The following is an entry in ClinVar:

NM_001814.6(CTSC):c.505A>G (p.Lys169Glu)

Gene: CTSC (cathepsin C; minus strand). Cytogenetic location: 11q14.2.
Variant type: single nucleotide variant.
Coding change: c.505A>G on transcript NM_001814.6 (MANE Select); coding-DNA position 505, A replaced by G.
Protein change: p.Lys169Glu; replaces lysine 169 with glutamic acid.
Molecular consequence: missense variant.
Genome position (GRCh38, 1-based): chr11:88,309,299, T>C on the plus strand (A>G on the coding strand, the complement: CTSC is on the minus strand). VCF-style: chr11-88309299-T-C. GRCh37 (hg19) VCF-style: chr11-88042467-T-C.
Other names: short protein forms K169E.
Identifiers: ClinVar variation 2921401 (VCV002921401.3), dbSNP rs2496556317, ClinGen allele CA382025438.

ClinVar aggregate classification (germline): Uncertain significance (1 of 4 stars; one submission).

Conditions:
Periodontitis, aggressive. Identifiers: MedGen C0031106, MONDO:0980757.
Papillon-Lefèvre syndrome (PALS). Also called: KERATOSIS PALMOPLANTARIS WITH PERIODONTOPATHIA; Papillon-Lefevre Disease. Identifiers: Orphanet 678, MedGen C0030360, MONDO:0009490, OMIM 245000.
Haim-Munk syndrome (HMS). Also called: COCHIN JEWISH DISORDER; KERATOSIS PALMOPLANTARIS WITH PERIODONTOPATHIA AND ONYCHOGRYPOSIS. Identifiers: Orphanet 2342, MedGen C1855627, MONDO:0009491, OMIM 245010.

gnomAD v4.1: 1 of 1,613,814 alleles (0.000062%); highest among the groups gnomAD compares: Admixed American, 0.0017%; no homozygotes.

Submission:

Labcorp Genetics (formerly Invitae), Labcorp
Classification: Uncertain significance for Haim-Munk syndrome; Periodontitis, aggressive; Papillon-Lefèvre syndrome. Last evaluated: 2023-12-14. Review status: criteria provided, single submitter. Criteria: Invitae Variant Classification Sherloc (09022015). Collection method: clinical testing. Allele origin: germline.
Comment: This sequence change replaces lysine, which is basic and polar, with glutamic acid, which is acidic and polar, at codon 169 of the CTSC protein (p.Lys169Glu). This variant is not present in population databases (gnomAD no frequency). This variant has not been reported in the literature in individuals affected with CTSC-related conditions. Advanced modeling of protein sequence and biophysical properties (such as structural, functional, and spatial information, amino acid conservation, physicochemical variation, residue mobility, and thermodynamic stability) performed at Invitae indicates that this missense variant is not expected to disrupt CTSC protein function with a negative predictive value of 80%. In summary, the available evidence is currently insufficient to determine the role of this variant in disease. Therefore, it has been classified as a Variant of Uncertain Significance.